The following is an entry in ClinVar:

ClinVar aggregate classification (germline): Uncertain significance (1 of 4 stars; one submission).

Conditions:
Fanconi anemia complementation group O. Also called: RAD51C-Related Fanconi Anemia. Identifiers: Orphanet 84, MedGen C3150653, MONDO:0013248, OMIM 613390.

Submission:

Labcorp Genetics (formerly Invitae), Labcorp
Classification: Uncertain significance for Fanconi anemia complementation group O. Last evaluated: 2024-11-11. Review status: criteria provided, single submitter. Criteria: Invitae Variant Classification Sherloc (09022015). Collection method: clinical testing. Allele origin: germline.
Comment: This sequence change replaces phenylalanine, which is neutral and non-polar, with valine, which is neutral and non-polar, at codon 32 of the RAD51C protein (p.Phe32Val). This variant is not present in population databases (gnomAD no frequency). This variant has not been reported in the literature in individuals affected with RAD51C-related conditions. Invitae Evidence Modeling of protein sequence and biophysical properties (such as structural, functional, and spatial information, amino acid conservation, physicochemical variation, residue mobility, and thermodynamic stability) indicates that this missense variant is not expected to disrupt RAD51C protein function with a negative predictive value of 80%. In summary, the available evidence is currently insufficient to determine the role of this variant in disease. Therefore, it has been classified as a Variant of Uncertain Significance.

NM_058216.3(RAD51C):c.94T>G (p.Phe32Val)

Gene: RAD51C (RAD51 paralog C; plus strand). Cytogenetic location: 17q22.
Variant type: single nucleotide variant.
Coding change: c.94T>G on transcript NM_058216.3 (MANE Select); coding-DNA position 94, T replaced by G.
Protein change: p.Phe32Val; replaces phenylalanine 32 with valine.
Molecular consequence: missense variant. On other transcripts: non-coding transcript variant (1).
Genome position (GRCh38, 1-based): chr17:58,692,737, T>G. VCF-style: chr17-58692737-T-G. GRCh37 (hg19) VCF-style: chr17-56770098-T-G.
Other names: c.94T>G, p.Phe32Val (NM_002876.4); short protein forms F32V.
Identifiers: ClinVar variation 3667039 (VCV003667039.2).